The following is an entry in ClinVar:

ClinVar aggregate classification (germline): Uncertain significance (1 of 4 stars; one submission).

Submission:

Labcorp Genetics (formerly Invitae), Labcorp
Classification: Uncertain significance. Last evaluated: 2023-03-23. Review status: criteria provided, single submitter. Criteria: Invitae Variant Classification Sherloc (09022015). Collection method: clinical testing. Allele origin: germline.
Comment: This sequence change replaces arginine, which is basic and polar, with leucine, which is neutral and non-polar, at codon 1595 of the PIEZO2 protein (p.Arg1595Leu). This variant is not present in population databases (gnomAD no frequency). This variant has not been reported in the literature in individuals affected with PIEZO2-related conditions. Advanced modeling of protein sequence and biophysical properties (such as structural, functional, and spatial information, amino acid conservation, physicochemical variation, residue mobility, and thermodynamic stability) performed at Invitae indicates that this missense variant is not expected to disrupt PIEZO2 protein function. In summary, the available evidence is currently insufficient to determine the role of this variant in disease. Therefore, it has been classified as a Variant of Uncertain Significance.

NM_001378183.1(PIEZO2):c.4958G>T (p.Arg1653Leu)

Gene: PIEZO2 (piezo type mechanosensitive ion channel component 2; minus strand). Cytogenetic location: 18p11.22.
Variant type: single nucleotide variant.
Coding change: c.4958G>T on transcript NM_001378183.1 (MANE Select); coding-DNA position 4958, G replaced by T.
Protein change: p.Arg1653Leu; replaces arginine 1653 with leucine.
Molecular consequence: missense variant.
Genome position (GRCh38, 1-based): chr18:10,731,478, C>A on the plus strand (G>T on the coding strand, the complement: PIEZO2 is on the minus strand). VCF-style: chr18-10731478-C-A. GRCh37 (hg19) VCF-style: chr18-10731476-C-A.
Other names: c.4859G>T, p.Arg1620Leu (NM_001410871.1); c.4784G>T, p.Arg1595Leu (NM_022068.4); short protein forms R1595L, R1620L, R1653L.
Identifiers: ClinVar variation 2816632 (VCV002816632.3), dbSNP rs190938950, ClinGen allele CA401915011.